The following is an entry in ClinVar:

NM_001197104.2(KMT2A):c.2371del (p.Ala791fs)

Gene: KMT2A (lysine methyltransferase 2A; plus strand). Cytogenetic location: 11q23.3.
Variant type: Deletion.
Coding change: c.2371del on transcript NM_001197104.2 (MANE Select); coding-DNA position 2371, one base deleted (G; older notation c.2371delG).
Protein change: p.Ala791fs; shifts the reading frame from alanine 791.
Molecular consequence: frameshift variant.
Genome position (GRCh38, 1-based): chr11:118,473,530, G deleted. VCF-style (leftmost placement, unchanged base first): chr11-118473529-TG-T. GRCh37 (hg19) VCF-style: chr11-118344244-TG-T.
Other names: c.2470del, p.Ala824fs (NM_001412597.1); c.2371del, p.Ala791fs (NM_005933.4); short protein forms A824fs, A791fs.
Identifiers: ClinVar variation 2704092 (VCV002704092.3), dbSNP rs2496809557, ClinGen allele CA2697559003.

ClinVar aggregate classification (germline): Pathogenic (1 of 4 stars; one submission).

Submission:

Labcorp Genetics (formerly Invitae), Labcorp
Classification: Pathogenic. Last evaluated: 2023-12-19. Review status: criteria provided, single submitter. Criteria: Invitae Variant Classification Sherloc (09022015). Collection method: clinical testing. Allele origin: germline.
Comment: This sequence change creates a premature translational stop signal (p.Ala791Profs*2) in the KMT2A gene. It is expected to result in an absent or disrupted protein product. Loss-of-function variants in KMT2A are known to be pathogenic (PMID: 22795537, 25810209, 29574747). This variant is not present in population databases (gnomAD no frequency). This variant has not been reported in the literature in individuals affected with KMT2A-related conditions. For these reasons, this variant has been classified as Pathogenic.

Literature cited by the submitters: PubMed 22795537; PubMed 25810209; PubMed 29574747.